The following is an entry in ClinVar:

NM_016441.3(CRIM1):c.1323C>G (p.Thr441=)

Gene: CRIM1 (cysteine rich transmembrane BMP regulator 1). Cytogenetic location: 2p22.2.
Variant type: single nucleotide variant.
Coding change: c.1323C>G on transcript NM_016441.3 (MANE Select); coding-DNA position 1323, C replaced by G.
Protein change: p.Thr441=; no amino-acid change (threonine 441 retained).
Molecular consequence: synonymous variant.
Genome position (GRCh38, 1-based): chr2:36,479,645, C>G. VCF-style: chr2-36479645-C-G. GRCh37 (hg19) VCF-style: chr2-36706788-C-G.
Identifiers: ClinVar variation 774812 (VCV000774812.7), dbSNP rs138940127, ClinGen allele CA1610157.

ClinVar aggregate classification (germline): Benign. Review status: criteria provided, multiple submitters, no conflicts (2 of 4 stars). 3 submissions from 3 submitters: Benign (2). 1 of the submissions does not count toward it. Last evaluated 2019-12-31.

Conditions:
CRIM1-related disorder. Also called: CRIM1-related condition.

Allele frequency attached by ClinVar (database versions not stated): 1000 Genomes Project 30x 0.00265; 1000 Genomes Project 0.00280; gnomAD 0.00449 and 0.00460; TOPMed 0.00458; gnomAD exomes 0.00464; ExAC 0.00477; ESP Exome Variant Server 0.00592.
gnomAD v4.1: 10,481 of 1,614,222 alleles (0.65%); highest among the groups gnomAD compares: Non-Finnish European, 0.81%; 48 homozygotes.

Submissions (3):

Labcorp Genetics (formerly Invitae), Labcorp
Classification: Benign. Last evaluated: 2019-12-31. Review status: criteria provided, single submitter. Criteria: Invitae Variant Classification Sherloc (09022015). Collection method: clinical testing. Allele origin: germline.

Breakthrough Genomics
Classification: Benign. Review status: criteria provided, single submitter. Criteria: ACMG Guidelines, 2015. Collection method: not provided. Allele origin: germline. Inheritance: Unknown mechanism. Affected: yes.

PreventionGenetics, part of Exact Sciences
Classification: Benign for CRIM1-related condition. Last evaluated: 2019-06-07. Review status: no assertion criteria provided. Collection method: clinical testing. Allele origin: germline. Not counted in ClinVar's aggregate classification.
Comment: This variant is classified as benign based on ACMG/AMP sequence variant interpretation guidelines (Richards et al. 2015 PMID: 25741868, with internal and published modifications).